The following is an entry in ClinVar:

ClinVar aggregate classification (germline): Uncertain significance. Review status: criteria provided, multiple submitters, no conflicts (2 of 4 stars). 2 submissions from 2 submitters: Uncertain significance (2). Last evaluated 2024-02-02.

Conditions:
BAP1-related tumor predisposition syndrome (TPDS1). Also called: COMMON Syndrome; TUMOR PREDISPOSITION SYNDROME 1; BAP1 tumor predisposition syndrome; Tumor susceptibility linked to germline BAP1 mutations. Identifiers: Orphanet 289539, MedGen C3280492, MONDO:0013692, OMIM 614327.
Hereditary cancer-predisposing syndrome. Also called: Neoplastic Syndromes, Hereditary; Hereditary Cancer Syndrome; Tumor predisposition; Hereditary neoplastic syndrome. Identifiers: Orphanet 140162, MedGen C0027672, MeSH D009386, MONDO:0015356.

Allele frequency attached by ClinVar (database versions not stated): gnomAD exomes below 0.00001.
gnomAD v4.1: 1 of 1,614,174 alleles (0.000062%); highest among the groups gnomAD compares: Non-Finnish European, 0.000085%; no homozygotes.

Submissions (2):

Labcorp Genetics (formerly Invitae), Labcorp
Classification: Uncertain significance for BAP1-related tumor predisposition syndrome. Last evaluated: 2024-02-02. Review status: criteria provided, single submitter. Criteria: Invitae Variant Classification Sherloc (09022015). Collection method: clinical testing. Allele origin: germline.
Comment: This sequence change replaces alanine, which is neutral and non-polar, with threonine, which is neutral and polar, at codon 258 of the BAP1 protein (p.Ala258Thr). This variant is not present in population databases (gnomAD no frequency). This variant has not been reported in the literature in individuals affected with BAP1-related conditions. ClinVar contains an entry for this variant (Variation ID: 582916). Advanced modeling of protein sequence and biophysical properties (such as structural, functional, and spatial information, amino acid conservation, physicochemical variation, residue mobility, and thermodynamic stability) performed at Invitae indicates that this missense variant is not expected to disrupt BAP1 protein function with a negative predictive value of 80%. In summary, the available evidence is currently insufficient to determine the role of this variant in disease. Therefore, it has been classified as a Variant of Uncertain Significance.

Ambry Genetics
Classification: Uncertain significance for Hereditary cancer-predisposing syndrome. Last evaluated: 2023-09-06. Review status: criteria provided, single submitter. Criteria: Ambry Variant Classification Scheme 2023. Collection method: clinical testing. Allele origin: germline.
Comment: The p.A258T variant (also known as c.772G>A), located in coding exon 9 of the BAP1 gene, results from a G to A substitution at nucleotide position 772. The alanine at codon 258 is replaced by threonine, an amino acid with similar properties. This amino acid position is conserved. In addition, this alteration is predicted to be tolerated by in silico analysis. Since supporting evidence is limited at this time, the clinical significance of this alteration remains unclear.

NM_004656.4(BAP1):c.772G>A (p.Ala258Thr)

Gene: BAP1 (BRCA1 associated deubiquitinase 1; minus strand). Cytogenetic location: 3p21.1.
Variant type: single nucleotide variant.
Coding change: c.772G>A on transcript NM_004656.4 (MANE Select); coding-DNA position 772, G replaced by A.
Protein change: p.Ala258Thr; replaces alanine 258 with threonine.
Molecular consequence: missense variant.
Genome position (GRCh38, 1-based): chr3:52,406,264, C>T on the plus strand (G>A on the coding strand, the complement: BAP1 is on the minus strand). VCF-style: chr3-52406264-C-T. GRCh37 (hg19) VCF-style: chr3-52440280-C-T.
Other names: c.772G>A (NM_004656.2); short protein forms A258T.
Identifiers: ClinVar variation 582916 (VCV000582916.9), dbSNP rs1559589668, ClinGen allele CA353107053.
Genomic context (GRCh38, chr3:52,406,264, plus strand): 5'-ATGCAGGGAGGGTTGGGCTGGGCAGAGGCCAGGAAGAAAGGGCACCTACCTGCTGCAGAG[C>T]CTCTAGTACTGTCTGACGGTTCACCTTCAGCACATGCAGCCTGGCCTCATACTTGATCCT-3'
Protein context (NP_004647.1, residues 248-268): LKVNRQTVLE[Ala258Thr]LQQLIRVTQP